The following is an entry in ClinVar:

ClinVar aggregate classification (germline): Conflicting classifications of pathogenicity. Review status: criteria provided, conflicting classifications (1 of 4 stars). 3 submissions from 3 submitters: Uncertain significance (2); Likely benign (1). Last evaluated 2025-04-01.

Allele frequency attached by ClinVar (database versions not stated): ESP Exome Variant Server 0.00046; gnomAD exomes 0.00073 and 0.00126; gnomAD 0.00091 and 0.00096; ExAC 0.00143; TOPMed 0.00153; 1000 Genomes Project 0.00200; 1000 Genomes Project 30x 0.00203.
gnomAD v4.1: 1,281 of 1,612,100 alleles (0.079%); highest among the groups gnomAD compares: Middle Eastern, 0.98%; 8 homozygotes.

Submissions (3):

CeGaT Center for Human Genetics Tuebingen
Classification: Likely benign. Last evaluated: 2025-04-01. Review status: criteria provided, single submitter. Criteria: CeGaT Center For Human Genetics Tuebingen Variant Classification Criteria Version 2. Collection method: clinical testing. Allele origin: germline. Affected: yes. Observed: 2 variant alleles.
Comment: SLC25A10: BP4, BS1

Mendelics
Classification: Uncertain significance. Last evaluated: 2022-05-04. Review status: criteria provided, single submitter. Criteria: Mendelics Assertion Criteria 2019. Collection method: clinical testing. Allele origin: germline.

Breakthrough Genomics
Classification: Uncertain significance. Review status: criteria provided, single submitter. Criteria: ACMG Guidelines, 2015. Collection method: not provided. Allele origin: germline. Inheritance: Autosomal recessive inheritance. Affected: yes.

NM_012140.5(SLC25A10):c.657C>T (p.Pro219=)

Gene: SLC25A10 (solute carrier family 25 member 10; plus strand). Cytogenetic location: 17q25.3.
Variant type: single nucleotide variant.
Coding change: c.657C>T on transcript NM_012140.5 (MANE Select); coding-DNA position 657, C replaced by T.
Protein change: p.Pro219=; no amino-acid change (proline 219 retained).
Molecular consequence: synonymous variant. On other transcripts: missense variant (1).
Genome position (GRCh38, 1-based): chr17:81,717,813, C>T. VCF-style: chr17-81717813-C-T. GRCh37 (hg19) VCF-style: chr17-79684843-C-T.
Other names: c.684C>T, p.Pro228= (NM_001270888.2); c.574C>T, p.Pro192Ser (NM_001270953.2); short protein forms P192S.
Identifiers: ClinVar variation 446183 (VCV000446183.26), dbSNP rs114621664, ClinGen allele CA8841864.